The following is an entry in ClinVar:

NM_022124.6(CDH23):c.1867G>A (p.Val623Ile)

Gene: CDH23 (cadherin related 23; plus strand). Cytogenetic location: 10q22.1.
Variant type: single nucleotide variant.
Coding change: c.1867G>A on transcript NM_022124.6 (MANE Select); coding-DNA position 1867, G replaced by A.
Protein change: p.Val623Ile; replaces valine 623 with isoleucine.
Molecular consequence: missense variant.
Genome position (GRCh38, 1-based): chr10:71,682,453, G>A. VCF-style: chr10-71682453-G-A. GRCh37 (hg19) VCF-style: chr10-73442210-G-A.
Other names: c.1867G>A, p.Val623Ile (NM_001171930.2, NM_001171931.2); short protein forms V623I.
Identifiers: ClinVar variation 178301 (VCV000178301.14), dbSNP rs143782870, ClinGen allele CA182068.
Genomic context (GRCh38, chr10:71,682,453, plus strand): 5'-GGGCATCTCAAGTCTGCTTACAGAGGGATCTGGCCTGTTCCTGTCATTGCAGTGATCAGC[G>A]TCAGTCGCCCCCTGGATTATGAACAGATATCCAATGGGCTGATTTATCTGACGGTCATGG-3'
Protein context (NP_071407.4, residues 613-633): SLYEGYGVIS[Val623Ile]SRPLDYEQIS

ClinVar aggregate classification (germline): Conflicting classifications of pathogenicity. Review status: criteria provided, conflicting classifications (1 of 4 stars). 6 submissions from 6 submitters: Uncertain significance (4); Likely benign (1). 1 of the submissions does not count toward it. Last evaluated 2026-05-26.

Conditions:
Pituitary adenoma 5, multiple types. Identifiers: MedGen C4539685, MONDO:0054601, OMIM 617540.
Autosomal recessive nonsyndromic hearing loss 12. Also called: DEAFNESS, AUTOSOMAL RECESSIVE 12. Identifiers: Orphanet 90636, MedGen C1832394, MONDO:0011067, OMIM 601386.
Usher syndrome type 1D (USH1D). Also called: USHER SYNDROME, TYPE ID. Identifiers: Orphanet 231169, Orphanet 886, MedGen C1832845, MONDO:0010984, OMIM 601067.
CDH23-related disorder. Also called: CDH23-related condition; CDH23-related disorders.
Usher syndrome type 1 (USH1). Also called: RETINITIS PIGMENTOSA AND CONGENITAL DEAFNESS. Identifiers: Orphanet 231169, Orphanet 886, MedGen C1568247, MONDO:0010168, OMIM 276900.

Allele frequency attached by ClinVar (database versions not stated): gnomAD 0.00006 and 0.00010; TOPMed 0.00007; ESP Exome Variant Server 0.00008; 1000 Genomes Project 30x 0.00016; gnomAD exomes 0.00018 and 0.00022; 1000 Genomes Project 0.00020; ExAC 0.00031.
gnomAD v4.1: 272 of 1,611,794 alleles (0.017%); highest among the groups gnomAD compares: South Asian, 0.18%; 3 homozygotes.

Submissions (6):

PreventionGenetics, part of Exact Sciences
Classification: Uncertain significance for CDH23-related condition. Last evaluated: 2026-05-26. Review status: criteria provided, single submitter. Criteria: ACMG Guidelines, 2015. Collection method: clinical testing. Allele origin: germline.
Comment: The CDH23 c.1867G>A variant is predicted to result in the amino acid substitution p.Val623Ile. This variant has been reported with uncertain significance in a cohort study of uveitis (Table S2, Li et al. 2020. PubMed ID: 32707200). This variant is present in 0.13% of alleles in individuals of South Asian descent in gnomAD, which may be too common to be a primary cause of disease. Although we suspect that this variant may be benign, at this time, the clinical significance of this variant is uncertain due to the absence of conclusive functional and genetic evidence.

Labcorp Genetics (formerly Invitae), Labcorp
Classification: Likely benign. Last evaluated: 2025-12-15. Review status: criteria provided, single submitter. Criteria: Invitae Variant Classification Sherloc (09022015). Collection method: clinical testing. Allele origin: germline.

Blueprint Genetics
Classification: Uncertain significance. Last evaluated: 2024-03-26. Review status: criteria provided, single submitter. Criteria: ACMG Guidelines, 2015. Collection method: clinical testing. Allele origin: germline.

Fulgent Genetics
Classification: Uncertain significance for Usher syndrome type 1D; Autosomal recessive nonsyndromic hearing loss 12; Pituitary adenoma 5, multiple types. Last evaluated: 2022-05-12. Review status: criteria provided, single submitter. Criteria: ACMG Guidelines, 2015. Collection method: clinical testing. Allele origin: unknown.

Laboratory for Molecular Medicine, Mass General Brigham Personalized Medicine
Classification: Uncertain significance. Last evaluated: 2018-02-27. Review status: criteria provided, single submitter. Criteria: LMM Criteria. Collection method: clinical testing. Allele origin: germline. Observed: 2 variant alleles.
Comment: Variant classified as Uncertain Significance - Favor Benign. This variant has also been identified in 0.13% (39/29954) of So uth Asian chromosomes by the Genome Aggregation Database (gnomAD.; dbSNP rs143782870); however its frequency is not high enoug h to rule out a pathogenic role. Computational prediction tools and conservation analysis do not provide strong support for or against an impact to the protein. In summary, while the clinical significance of the p.Val623Ile variant is uncer tain, these data suggest that it is more likely to be benign. ACMG/AMP Criteria applied: BS1_P, BP5.

Natera, Inc.
Classification: Uncertain significance for Usher syndrome type 1. Last evaluated: 2019-10-28. Review status: no assertion criteria provided. Collection method: clinical testing. Allele origin: germline. Not counted in ClinVar's aggregate classification.